The following is an entry in ClinVar:

NM_006767.4(LZTR1):c.2143C>A (p.Pro715Thr)

Gene: LZTR1 (leucine zipper like post translational regulator 1; plus strand). Cytogenetic location: 22q11.21.
Variant type: single nucleotide variant.
Coding change: c.2143C>A on transcript NM_006767.4 (MANE Select); coding-DNA position 2143, C replaced by A.
Protein change: p.Pro715Thr; replaces proline 715 with threonine.
Molecular consequence: missense variant.
Genome position (GRCh38, 1-based): chr22:20,996,036, C>A. VCF-style: chr22-20996036-C-A. GRCh37 (hg19) VCF-style: chr22-21350325-C-A.
Other names: short protein forms P715T.
Identifiers: ClinVar variation 5023811 (VCV005023811.1).

ClinVar aggregate classification (germline): Uncertain significance (1 of 4 stars; one submission).

Conditions:
Cardiovascular phenotype. Identifiers: MedGen CN230736.
Hereditary cancer-predisposing syndrome. Also called: Neoplastic Syndromes, Hereditary; Tumor predisposition; Hereditary neoplastic syndrome; Hereditary Cancer Syndrome. Identifiers: Orphanet 140162, MedGen C0027672, MeSH D009386, MONDO:0015356.

Submission:

Ambry Genetics
Classification: Uncertain significance for Cardiovascular phenotype; Hereditary cancer-predisposing syndrome. Last evaluated: 2026-09-08. Review status: criteria provided, single submitter. Criteria: Ambry Variant Classification Scheme 2023. Collection method: clinical testing. Allele origin: germline.
Comment: The p.P715T variant (also known as c.2143C>A), located in coding exon 18 of the LZTR1 gene, results from a C to A substitution at nucleotide position 2143. The proline at codon 715 is replaced by threonine, an amino acid with highly similar properties. This amino acid position is conserved. In addition, this alteration is predicted to be deleterious by in silico analysis. Based on the available evidence, the clinical significance of this variant remains unclear.